The following is an entry in ClinVar:

NM_032634.4(PIGO):c.1591G>A (p.Ala531Thr)

Gene: PIGO (phosphatidylinositol glycan anchor biosynthesis class O; minus strand). Cytogenetic location: 9p13.3.
Variant type: single nucleotide variant.
Coding change: c.1591G>A on transcript NM_032634.4 (MANE Select); coding-DNA position 1591, G replaced by A.
Protein change: p.Ala531Thr; replaces alanine 531 with threonine.
Molecular consequence: missense variant. On other transcripts: intron variant (2).
Genome position (GRCh38, 1-based): chr9:35,092,296, C>T on the plus strand (G>A on the coding strand, the complement: PIGO is on the minus strand). VCF-style: chr9-35092296-C-T. GRCh37 (hg19) VCF-style: chr9-35092293-C-T.
Other names: c.1344+247G>A (NM_152850.4, NM_001201484.2); short protein forms A531T.
Identifiers: ClinVar variation 862063 (VCV000862063.10), dbSNP rs1416430595, ClinGen allele CA373321809.

ClinVar aggregate classification (germline): Uncertain significance (1 of 4 stars; one submission).

Conditions:
Hyperphosphatasia with impaired intellectual development syndrome 2. Also called: Hyperphosphatasia with intellectual disability syndrome 2; GLYCOSYLPHOSPHATIDYLINOSITOL BIOSYNTHESIS DEFECT 6. Identifiers: Orphanet 247262, MedGen C3553637, MONDO:0013882, OMIM 614749.

Allele frequency attached by ClinVar (database versions not stated): gnomAD exomes below 0.00001.
gnomAD v4.1: 1 of 1,614,208 alleles (0.000062%); highest among the groups gnomAD compares: Non-Finnish European, 0.000085%; no homozygotes.

Submission:

Labcorp Genetics (formerly Invitae), Labcorp
Classification: Uncertain significance for Hyperphosphatasia with impaired intellectual development syndrome 2. Last evaluated: 2019-12-16. Review status: criteria provided, single submitter. Criteria: Invitae Variant Classification Sherloc (09022015). Collection method: clinical testing. Allele origin: germline.
Comment: This variant is not present in population databases (ExAC no frequency). In summary, the available evidence is currently insufficient to determine the role of this variant in disease. Therefore, it has been classified as a Variant of Uncertain Significance. Algorithms developed to predict the effect of missense changes on protein structure and function output the following: SIFT: "Tolerated"; PolyPhen-2: "Benign"; Align-GVGD: "Class C0". The threonine amino acid residue is found in multiple mammalian species, suggesting that this missense change does not adversely affect protein function. These predictions have not been confirmed by published functional studies and their clinical significance is uncertain. This variant has not been reported in the literature in individuals with PIGO-related conditions. This sequence change replaces alanine with threonine at codon 531 of the PIGO protein (p.Ala531Thr). The alanine residue is weakly conserved and there is a small physicochemical difference between alanine and threonine.